The following is an entry in ClinVar:

NM_015346.4(ZFYVE26):c.5919del (p.Leu1974fs)

Gene: ZFYVE26 (zinc finger FYVE-type containing 26; minus strand). Cytogenetic location: 14q24.1.
Variant type: Deletion.
Coding change: c.5919del on transcript NM_015346.4 (MANE Select); coding-DNA position 5919, one base deleted (G; older notation c.5919delG).
Protein change: p.Leu1974fs; shifts the reading frame from leucine 1974.
Molecular consequence: frameshift variant.
Genome position (GRCh38, 1-based): chr14:67,766,319, C deleted on the plus strand (G on the coding strand, the reverse complement: ZFYVE26 is on the minus strand); the first of 3 consecutive C bases (chr14:67,766,319-67,766,321); deleting any one gives the same sequence. VCF-style (leftmost placement, unchanged base first): chr14-67766318-GC-G. GRCh37 (hg19) VCF-style: chr14-68233035-GC-G.
Other names: short protein forms L1974fs.
Identifiers: ClinVar variation 1407047 (VCV001407047.6), dbSNP rs2140199396, ClinGen allele CA2573150109.

ClinVar aggregate classification (germline): Pathogenic (1 of 4 stars; one submission).

Conditions:
Spastic paraplegia. Identifiers: MedGen C0037772, HP:0001258.

Submission:

Labcorp Genetics (formerly Invitae), Labcorp
Classification: Pathogenic for Spastic paraplegia. Last evaluated: 2021-01-11. Review status: criteria provided, single submitter. Criteria: Invitae Variant Classification Sherloc (09022015). Collection method: clinical testing. Allele origin: germline.
Comment: This variant is not present in population databases (ExAC no frequency). This variant has not been reported in the literature in individuals with ZFYVE26-related conditions. For these reasons, this variant has been classified as Pathogenic. This sequence change creates a premature translational stop signal (p.Leu1974Cysfs*6) in the ZFYVE26 gene. It is expected to result in an absent or disrupted protein product. Loss-of-function variants in ZFYVE26 are known to be pathogenic (PMID: 18394578, 19805727).

Literature cited by the submitters: PubMed 18394578; PubMed 19805727.